The following is an entry in ClinVar:

ClinVar aggregate classification (germline): Uncertain significance (1 of 4 stars; one submission).

Conditions:
Hereditary cancer-predisposing syndrome. Also called: Neoplastic Syndromes, Hereditary; Tumor predisposition; Hereditary Cancer Syndrome; Hereditary neoplastic syndrome. Identifiers: Orphanet 140162, MedGen C0027672, MeSH D009386, MONDO:0015356.

Submission:

Ambry Genetics
Classification: Uncertain significance for Hereditary cancer-predisposing syndrome. Last evaluated: 2025-06-11. Review status: criteria provided, single submitter. Criteria: Ambry Variant Classification Scheme 2023. Collection method: clinical testing. Allele origin: germline.
Comment: The p.A6P variant (also known as c.16G>C), located in coding exon 1 of the NF2 gene, results from a G to C substitution at nucleotide position 16. The alanine at codon 6 is replaced by proline, an amino acid with highly similar properties. This amino acid position is highly conserved in available vertebrate species. In addition, the in silico prediction for this alteration is inconclusive. Based on the available evidence, the clinical significance of this variant remains unclear.

NM_000268.4(NF2):c.16G>C (p.Ala6Pro)

Gene: NF2 (NF2, moesin-ezrin-radixin like (MERLIN) tumor suppressor; plus strand). Cytogenetic location: 22q12.2.
Variant type: single nucleotide variant.
Coding change: c.16G>C on transcript NM_000268.4 (MANE Select); coding-DNA position 16, G replaced by C.
Protein change: p.Ala6Pro; replaces alanine 6 with proline.
Molecular consequence: missense variant. On other transcripts: non-coding transcript variant (1).
Genome position (GRCh38, 1-based): chr22:29,604,014, G>C. VCF-style: chr22-29604014-G-C. GRCh37 (hg19) VCF-style: chr22-30000003-G-C.
Other names: c.16G>C, p.Ala6Pro (NM_016418.5, NM_181825.3, NM_181828.3 and 5 more transcripts); short protein forms A6P.
Identifiers: ClinVar variation 819873 (VCV000819873.5), dbSNP rs1601515753, ClinGen allele CA411145753.